The following is an entry in ClinVar:

NM_001110556.2(FLNA):c.5852G>A (p.Arg1951Gln)

Gene: FLNA (filamin A; minus strand). Cytogenetic location: Xq28.
Variant type: single nucleotide variant.
Coding change: c.5852G>A on transcript NM_001110556.2 (MANE Select); coding-DNA position 5852, G replaced by A.
Protein change: p.Arg1951Gln; replaces arginine 1951 with glutamine.
Molecular consequence: missense variant.
Genome position (GRCh38, 1-based): chrX:154,353,562, C>T on the plus strand (G>A on the coding strand, the complement: FLNA is on the minus strand). VCF-style: chrX-154353562-C-T. GRCh37 (hg19) VCF-style: chrX-153581930-C-T.
Other names: c.5828G>A, p.Arg1943Gln (NM_001456.4); c.5828G>A (NM_001456.3); short protein forms R1943Q, R1951Q.
Identifiers: ClinVar variation 4793736 (VCV004793736.2).

ClinVar aggregate classification (germline): Conflicting classifications of pathogenicity. Review status: criteria provided, conflicting classifications (1 of 4 stars). 2 submissions from 2 submitters: Uncertain significance (1); Benign (1). Last evaluated 2026-01-21.

Conditions:
Familial thoracic aortic aneurysm and aortic dissection (TAAD). Also called: Thoracic aortic aneurysms and dissections. Identifiers: Orphanet 91387, MedGen C4707243, MONDO:0019625.
Heterotopia, periventricular, X-linked dominant (PVNH1). Also called: PERIVENTRICULAR NODULAR HETEROTOPIA 1; X-linked periventricular heterotopia; PERIVENTRICULAR NODULAR HETEROTOPIA 4; HETEROTOPIA, PERIVENTRICULAR, 1. Identifiers: Orphanet 2149, Orphanet 82004, MedGen C1848213, MONDO:0010233, OMIM 300049.
Melnick-Needles syndrome (MNS). Also called: MELNICK-NEEDLES OSTEODYSPLASTY; OSTEODYSPLASTY OF MELNICK AND NEEDLES; Melnick-Needles Syndrome (FLNA-MNS). Identifiers: Orphanet 2484, MedGen C0025237, MONDO:0010650, OMIM 309350.
Frontometaphyseal dysplasia (FMD1). Identifiers: Orphanet 1826, MedGen C0265293, MONDO:0015942.
Oto-palato-digital syndrome, type II (OPD2). Also called: FACIOPALATOOSSEOUS SYNDROME; OPD II SYNDROME; Otopalatodigital Syndrome Type 2 (FLNA-OPD2); Otopalatodigital Syndrome, Type II. Identifiers: Orphanet 669, Orphanet 90652, MedGen C1844696, MONDO:0010571, OMIM 304120.

Submissions (2):

Ambry Genetics
Classification: Uncertain significance for Familial thoracic aortic aneurysm and aortic dissection. Last evaluated: 2026-01-21. Review status: criteria provided, single submitter. Criteria: Ambry Variant Classification Scheme 2023. Collection method: clinical testing. Allele origin: germline.
Comment: The c.5828G>A (p.R1943Q) alteration is located in exon 35 (coding exon 34) of the FLNA gene. This alteration results from a G to A substitution at nucleotide position 5828, causing the arginine (R) at amino acid position 1943 to be replaced by a glutamine (Q). Based on data from gnomAD, the A allele has an overall frequency of 0.001% (1/181365) total alleles studied. The highest observed frequency was 0.007% (1/13578) of East Asian alleles. Based on insufficient or conflicting evidence, the clinical significance of this alteration remains unclear.

Labcorp Genetics (formerly Invitae), Labcorp
Classification: Benign for Oto-palato-digital syndrome, type II; Heterotopia, periventricular, X-linked dominant; Frontometaphyseal dysplasia; Melnick-Needles syndrome. Last evaluated: 2025-06-23. Review status: criteria provided, single submitter. Criteria: Invitae Variant Classification Sherloc (09022015). Collection method: clinical testing. Allele origin: germline.